The following is an entry in ClinVar:

ClinVar aggregate classification (germline): Uncertain significance (1 of 4 stars; one submission).

Submission:

Women's Health and Genetics/Laboratory Corporation of America, LabCorp
Classification: Uncertain significance. Last evaluated: 2025-07-07. Review status: criteria provided, single submitter. Criteria: LabCorp Variant Classification Summary - May 2015. Collection method: clinical testing. Allele origin: germline.
Comment: Variant summary: ATP2B3 c.980T>C (p.Val327Ala) results in a non-conservative amino acid change in the encoded protein sequence. Algorithms developed to predict the effect of missense changes on protein structure and function are either unavailable or do not agree on the potential impact of this missense change. The variant was absent in 176072 control chromosomes. The available data on variant occurrences in the general population are insufficient to allow any conclusion about variant significance. To our knowledge, no occurrence of c.980T>C in individuals affected with X-Linked Progressive Cerebellar Ataxia and no experimental evidence demonstrating its impact on protein function have been reported. No submitters have cited clinical-significance assessments for this variant to ClinVar. Based on the evidence outlined above, the variant was classified as uncertain significance.

NM_001001344.3(ATP2B3):c.980T>C (p.Val327Ala)

Gene: ATP2B3 (ATPase plasma membrane Ca2+ transporting 3; plus strand). Cytogenetic location: Xq28.
Variant type: single nucleotide variant.
Coding change: c.980T>C on transcript NM_001001344.3 (MANE Select); coding-DNA position 980, T replaced by C.
Protein change: p.Val327Ala; replaces valine 327 with alanine.
Molecular consequence: missense variant.
Genome position (GRCh38, 1-based): chrX:153,547,856, T>C. VCF-style: chrX-153547856-T-C. GRCh37 (hg19) VCF-style: chrX-152813314-T-C.
Other names: c.980T>C, p.Val327Ala (NM_001388360.1, NM_001388361.1, NM_001388362.1 and 1 more transcripts); c.938T>C, p.Val313Ala (NM_001410708.1); short protein forms V313A, V327A.
Identifiers: ClinVar variation 3912033 (VCV003912033.2).